The following is an entry in ClinVar:

ClinVar aggregate classification (germline): Uncertain significance (1 of 4 stars; one submission).

Conditions:
Danon disease. Also called: ANTOPOL DISEASE; Glycogen Storage Disease Type IIb; PSEUDOGLYCOGENOSIS II; GSD IIb; LYSOSOMAL GLYCOGEN STORAGE DISEASE WITHOUT ACID MALTASE DEFICIENCY. Identifiers: Orphanet 34587, MedGen C0878677, MONDO:0010281, OMIM 300257.

Allele frequency attached by ClinVar (database versions not stated): gnomAD exomes below 0.00001; TOPMed below 0.00001; ExAC 0.00001; gnomAD 0.00001; ESP Exome Variant Server 0.00009.
gnomAD v4.1: 2 of 1,196,584 alleles (0.00017%); highest among the groups gnomAD compares: Non-Finnish European, 0.00023%; no homozygotes.

Submission:

Labcorp Genetics (formerly Invitae), Labcorp
Classification: Uncertain significance for Danon disease. Last evaluated: 2023-11-03. Review status: criteria provided, single submitter. Criteria: Invitae Variant Classification Sherloc (09022015). Collection method: clinical testing. Allele origin: germline.
Comment: This sequence change falls in intron 8 of the LAMP2 gene. It does not directly change the encoded amino acid sequence of the LAMP2 protein. It affects a nucleotide within the consensus splice site. This variant is present in population databases (rs374689139, gnomAD 0.001%), including at least one homozygous and/or hemizygous individual. This variant has not been reported in the literature in individuals affected with LAMP2-related conditions. Variants that disrupt the consensus splice site are a relatively common cause of aberrant splicing (PMID: 17576681, 9536098). Algorithms developed to predict the effect of sequence changes on RNA splicing suggest that this variant is not likely to affect RNA splicing. In summary, the available evidence is currently insufficient to determine the role of this variant in disease. Therefore, it has been classified as a Variant of Uncertain Significance.

Literature cited by the submitters: PubMed 17576681; PubMed 9536098.

NM_002294.3(LAMP2):c.1093+5G>A

Gene: LAMP2 (lysosome associated membrane protein 2; minus strand). Cytogenetic location: Xq24.
Variant type: single nucleotide variant.
Coding change: c.1093+5G>A on transcript NM_002294.3 (MANE Select); 5 bases into the intron after coding-DNA position 1093, G replaced by A.
Molecular consequence: intron variant.
Genome position (GRCh38, 1-based): chrX:120,441,725, C>T on the plus strand (G>A on the coding strand, the complement: LAMP2 is on the minus strand). VCF-style: chrX-120441725-C-T. GRCh37 (hg19) VCF-style: chrX-119575580-C-T.
Other names: c.1093+5G>A (NM_001122606.1, NM_013995.2).
Identifiers: ClinVar variation 2960016 (VCV002960016.3), dbSNP rs374689139, ClinGen allele CA10505206.
Genomic context (GRCh38, chrX:120,441,725, plus strand): 5'-TCAAAGGAAAAGCCACCTGTCAACATAAGAACATAAATTATTAATGAAGTTTGCTTGATT[C>T]TTACCTGTAGAATACTTTCCTTGTGTCACATTGAAAGGCTGAACCCTTAGATCAAAGGTA-3'